The following is an entry in ClinVar:

NM_000059.4(BRCA2):c.1893del (p.Phe631fs)

Gene: BRCA2 (BRCA2 DNA repair associated; plus strand). Cytogenetic location: 13q13.1.
Variant type: Deletion.
Coding change: c.1893del on transcript NM_000059.4 (MANE Select); coding-DNA position 1893, one base deleted (T; older notation c.1893delT).
Protein change: p.Phe631fs; shifts the reading frame from phenylalanine 631.
Molecular consequence: frameshift variant.
Genome position (GRCh38, 1-based): chr13:32,333,371, T deleted; the last of 3 consecutive T bases (chr13:32,333,369-32,333,371); deleting any one gives the same sequence. VCF-style (leftmost placement, unchanged base first): chr13-32333368-AT-A. GRCh37 (hg19) VCF-style: chr13-32907505-AT-A.
Other names: c.1893delT (NM_000059.3); short protein forms F631fs.
Identifiers: ClinVar variation 2586293 (VCV002586293.5), dbSNP rs2548521277, ClinGen allele CA658761149.

ClinVar aggregate classification (germline): Pathogenic. Review status: criteria provided, multiple submitters, no conflicts (2 of 4 stars). 2 submissions from 2 submitters: Pathogenic (2). Last evaluated 2023-11-02.

Conditions:
Hereditary breast ovarian cancer syndrome. Also called: BRCA1- and BRCA2-Associated Hereditary Breast and Ovarian Cancer; Hereditary breast and ovarian cancer; Hereditary breast and ovarian cancer syndrome (HBOC); Breast and ovarian cancer; Hereditary breast and ovarian cancer syndrome; Hereditary breast and/or ovarian cancer syndrome. Identifiers: Orphanet 145, MedGen C0677776, MeSH D061325, MONDO:0003582. Disease mechanism: loss of function.
Hereditary cancer-predisposing syndrome. Also called: Hereditary neoplastic syndrome; Tumor predisposition; Hereditary Cancer Syndrome; Neoplastic Syndromes, Hereditary. Identifiers: Orphanet 140162, MedGen C0027672, MeSH D009386, MONDO:0015356.

Submissions (2):

Labcorp Genetics (formerly Invitae), Labcorp
Classification: Pathogenic for Hereditary breast ovarian cancer syndrome. Last evaluated: 2023-11-02. Review status: criteria provided, single submitter. Criteria: Invitae Variant Classification Sherloc (09022015). Collection method: clinical testing. Allele origin: germline.
Comment: This sequence change creates a premature translational stop signal (p.Phe631Leufs*13) in the BRCA2 gene. It is expected to result in an absent or disrupted protein product. Loss-of-function variants in BRCA2 are known to be pathogenic (PMID: 20104584). This variant is not present in population databases (gnomAD no frequency). This variant has not been reported in the literature in individuals affected with BRCA2-related conditions. This variant is also known as 2121delT. For these reasons, this variant has been classified as Pathogenic.

Ambry Genetics
Classification: Pathogenic for Hereditary cancer-predisposing syndrome. Last evaluated: 2023-08-01. Review status: criteria provided, single submitter. Criteria: Ambry Variant Classification Scheme 2023. Collection method: clinical testing. Allele origin: germline.
Comment: The c.1893delT pathogenic mutation, located in coding exon 9 of the BRCA2 gene, results from a deletion of one nucleotide at nucleotide position 1893, causing a translational frameshift with a predicted alternate stop codon (p.F631Lfs*13). This variant is considered to be rare based on population cohorts in the Genome Aggregation Database (gnomAD). This alteration is expected to result in loss of function by premature protein truncation or nonsense-mediated mRNA decay. As such, this alteration is interpreted as a disease-causing mutation.

Literature cited by the submitters: PubMed 20104584 (cited by Labcorp Genetics (formerly Invitae), Labcorp).